The following is an entry in ClinVar:

NM_001376571.1(MADD):c.4034C>G (p.Pro1345Arg)

Gene: MADD (MAP kinase activating death domain; plus strand). Cytogenetic location: 11p11.2.
Variant type: single nucleotide variant.
Coding change: c.4034C>G on transcript NM_001376571.1 (MANE Select); coding-DNA position 4034, C replaced by G.
Protein change: p.Pro1345Arg; replaces proline 1345 with arginine.
Molecular consequence: missense variant. On other transcripts: non-coding transcript variant (8).
Genome position (GRCh38, 1-based): chr11:47,309,383, C>G. VCF-style: chr11-47309383-C-G. GRCh37 (hg19) VCF-style: chr11-47330934-C-G.
Other names: c.3833C>G, p.Pro1278Arg (NM_001376597.1, NM_001376598.1, NM_001376645.1 and 1 more transcripts); c.4022C>G, p.Pro1341Arg (NM_001376599.1, NM_001376600.1, NM_001376601.1 and 2 more transcripts); c.3815C>G, p.Pro1272Arg (NM_001376602.1); c.3791C>G, p.Pro1264Arg (NM_001376603.1, NM_001376651.1, NM_001376652.1); c.3779C>G, p.Pro1260Arg (NM_001376604.1, NM_001376655.1, NM_001376656.1); c.3980C>G, p.Pro1327Arg (NM_001376605.1, NM_001376574.1); c.3977C>G, p.Pro1326Arg (NM_001376606.1, NM_001376633.1); c.3776C>G, p.Pro1259Arg (NM_001376607.1); and 41 more; short protein forms P1064R, P1134R, P1183R, P1195R, P1205R, P1210R, P1212R, P1213R.
Identifiers: ClinVar variation 4529836 (VCV004529836.1).

ClinVar aggregate classification (germline): Uncertain significance (1 of 4 stars; one submission).

gnomAD v4.1: 6 of 1,614,108 alleles (0.00037%); highest among the groups gnomAD compares: Non-Finnish European, 0.00034%; no homozygotes.

Submission:

GeneDx
Classification: Uncertain significance. Last evaluated: 2025-05-14. Review status: criteria provided, single submitter. Criteria: GeneDx Variant Classification Process June 2021. Collection method: clinical testing. Allele origin: germline. Affected: yes.
Comment: Not observed at significant frequency in large population cohorts (gnomAD); In silico analysis supports that this missense variant has a deleterious effect on protein structure/function; Has not been previously published as pathogenic or benign to our knowledge